The following is an entry in ClinVar:

NM_003873.7(NRP1):c.997C>T (p.Leu333=)

Gene: NRP1 (neuropilin 1; minus strand). Cytogenetic location: 10p11.22.
Variant type: single nucleotide variant.
Coding change: c.997C>T on transcript NM_003873.7 (MANE Select); coding-DNA position 997, C replaced by T.
Protein change: p.Leu333=; no amino-acid change (leucine 333 retained).
Molecular consequence: synonymous variant. On other transcripts: non-coding transcript variant (1).
Genome position (GRCh38, 1-based): chr10:33,226,274, G>A on the plus strand (C>T on the coding strand, the complement: NRP1 is on the minus strand). VCF-style: chr10-33226274-G-A. GRCh37 (hg19) VCF-style: chr10-33515202-G-A.
Other names: c.997C>T, p.Leu333= (NM_001024628.3, NM_001024629.3, NM_001244972.2 and 2 more transcripts).
Identifiers: ClinVar variation 4978893 (VCV004978893.1).

ClinVar aggregate classification (germline): Likely benign (1 of 4 stars; one submission).

Conditions:
NRP1-related disorder. Also called: NRP1-related condition.

gnomAD v4.1: 3 of 1,614,108 alleles (0.00019%); highest among the groups gnomAD compares: African/African-American, 0.004%; no homozygotes.

Submission:

PreventionGenetics, part of Exact Sciences
Classification: Likely benign for NRP1-related condition. Last evaluated: 2024-10-11. Review status: criteria provided, single submitter. Criteria: ACMG Guidelines, 2015. Collection method: clinical testing. Allele origin: germline.
Comment: This variant is classified as likely benign based on ACMG/AMP sequence variant interpretation guidelines (Richards et al. 2015 PMID: 25741868, with internal and published modifications).